The following is an entry in ClinVar:

NM_152419.3(HGSNAT):c.886del (p.Ser296fs)

Gene: HGSNAT (heparan-alpha-glucosaminide N-acetyltransferase; plus strand). Cytogenetic location: 8p11.21.
Variant type: Deletion.
Coding change: c.886del on transcript NM_152419.3 (MANE Select); coding-DNA position 886, one base deleted (T; older notation c.886delT).
Protein change: p.Ser296fs; shifts the reading frame from serine 296.
Molecular consequence: frameshift variant. On other transcripts: intron variant (1).
Genome position (GRCh38, 1-based): chr8:43,178,108, T deleted. VCF-style (leftmost placement, unchanged base first): chr8-43178107-AT-A. GRCh37 (hg19) VCF-style: chr8-43033250-AT-A.
Other names: c.886del, p.Ser296fs (NM_001363227.2); c.22del, p.Ser8fs (NM_001363229.2); c.821-4037del (NM_001363228.2); short protein forms S296fs, S8fs.
Identifiers: ClinVar variation 5016321 (VCV005016321.1).

ClinVar aggregate classification (germline): Pathogenic (1 of 4 stars; one submission).

Conditions:
Mucopolysaccharidosis, MPS-III-C (MPS3C). Also called: MPS III C; MUCOPOLYSACCHARIDOSIS, TYPE IIIC; SANFILIPPO SYNDROME C; Mucopolysaccharidosis type IIIC (Sanfilippo C); mucopolysaccharidosis type 3C; MPS IIIC (Sanfilippo Syndrome Type C). Identifiers: Orphanet 581, Orphanet 79271, MedGen C0086649, MONDO:0009657, OMIM 252930.

Submission:

Myriad Genetics, Inc.
Classification: Pathogenic for Mucopolysaccharidosis, MPS-III-C. Last evaluated: 2026-09-07. Review status: criteria provided, single submitter. Criteria: Myriad Autosomal Dominant, Autosomal Recessive and X-Linked Classification Criteria (2023). Collection method: clinical testing. Allele origin: unknown.
Comment: NM_152419.2(HGSNAT):c.886delT(S296Rfs*2) is expected to be pathogenic in the context of mucopolysaccharidosis type IIIC. This variant is predicted to lead to an abnormal or absent protein product due to the creation of a premature termination codon in HGSNAT, a gene where loss-of-function variants are known to be pathogenic. Please note: this variant was assessed in the context of healthy population screening.